The following is an entry in ClinVar:

NM_004177.5(STX3):c.178T>C (p.Tyr60His)

Gene: STX3 (syntaxin 3; plus strand). Cytogenetic location: 11q12.1.
Variant type: single nucleotide variant.
Coding change: c.178T>C on transcript NM_004177.5 (MANE Select); coding-DNA position 178, T replaced by C.
Protein change: p.Tyr60His; replaces tyrosine 60 with histidine.
Molecular consequence: missense variant.
Genome position (GRCh38, 1-based): chr11:59,787,100, T>C. VCF-style: chr11-59787100-T-C. GRCh37 (hg19) VCF-style: chr11-59554573-T-C.
Other names: c.178T>C, p.Tyr60His (NM_001178040.3); short protein forms Y60H.
Identifiers: ClinVar variation 1010129 (VCV001010129.2), dbSNP rs140285651, ClinGen allele CA6020761.

ClinVar aggregate classification (germline): Uncertain significance (1 of 4 stars; one submission).

Allele frequency attached by ClinVar (database versions not stated): TOPMed 0.00018; gnomAD exomes 0.00020 and 0.00038; gnomAD 0.00021 and 0.00022; ExAC 0.00022; ESP Exome Variant Server 0.00062.
gnomAD v4.1: 576 of 1,614,072 alleles (0.036%); highest among the groups gnomAD compares: Non-Finnish European, 0.046%; no homozygotes.

Submission:

Labcorp Genetics (formerly Invitae), Labcorp
Classification: Uncertain significance. Last evaluated: 2022-09-01. Review status: criteria provided, single submitter. Criteria: Invitae Variant Classification Sherloc (09022015). Collection method: clinical testing. Allele origin: germline.
Comment: This sequence change replaces tyrosine, which is neutral and polar, with histidine, which is basic and polar, at codon 60 of the STX3 protein (p.Tyr60His). This variant is present in population databases (rs140285651, gnomAD 0.04%). This variant has not been reported in the literature in individuals affected with STX3-related conditions. ClinVar contains an entry for this variant (Variation ID: 1010129). Algorithms developed to predict the effect of missense changes on protein structure and function output the following: SIFT: "Tolerated"; PolyPhen-2: "Benign"; Align-GVGD: "Class C0". The histidine amino acid residue is found in multiple mammalian species, which suggests that this missense change does not adversely affect protein function. In summary, the available evidence is currently insufficient to determine the role of this variant in disease. Therefore, it has been classified as a Variant of Uncertain Significance.